The following is an entry in ClinVar:

ClinVar aggregate classification (germline): Uncertain significance. Review status: criteria provided, multiple submitters, no conflicts (2 of 4 stars). 2 submissions from 2 submitters: Uncertain significance (2). Last evaluated 2026-05-01.

Conditions:
Inborn genetic diseases. Identifiers: MedGen C0950123, MeSH D030342.

Allele frequency attached by ClinVar (database versions not stated): gnomAD 0.00001.
gnomAD v4.1: 41 of 1,613,560 alleles (0.0025%); highest among the groups gnomAD compares: Admixed American, 0.063%; no homozygotes.

Submissions (2):

CeGaT Center for Human Genetics Tuebingen
Classification: Uncertain significance. Last evaluated: 2026-05-01. Review status: criteria provided, single submitter. Criteria: CeGaT Center For Human Genetics Tuebingen Variant Classification Criteria Version 2. Collection method: clinical testing. Allele origin: germline. Affected: yes. Observed: 1 variant allele.
Comment: ATP2B1: PP2

Ambry Genetics
Classification: Uncertain significance for Inborn genetic diseases. Last evaluated: 2023-02-08. Review status: criteria provided, single submitter. Criteria: Ambry Variant Classification Scheme 2023. Collection method: clinical testing. Allele origin: germline.

NM_001366521.1(ATP2B1):c.1147A>G (p.Ile383Val)

Gene: ATP2B1 (ATPase plasma membrane Ca2+ transporting 1; minus strand). Cytogenetic location: 12q21.33.
Variant type: single nucleotide variant.
Coding change: c.1147A>G on transcript NM_001366521.1 (MANE Select); coding-DNA position 1147, A replaced by G.
Protein change: p.Ile383Val; replaces isoleucine 383 with valine.
Molecular consequence: missense variant. On other transcripts: non-coding transcript variant (3).
Genome position (GRCh38, 1-based): chr12:89,624,380, T>C on the plus strand (A>G on the coding strand, the complement: ATP2B1 is on the minus strand). VCF-style: chr12-89624380-T-C. GRCh37 (hg19) VCF-style: chr12-90018157-T-C.
Other names: c.1147A>G, p.Ile383Val (NM_001001323.2, NM_001366520.1, NM_001366522.1 and 13 more transcripts); c.949A>G, p.Ile317Val (NM_001366530.1, NM_001413053.1); c.586A>G, p.Ile196Val (NM_001366531.1, NM_001366532.1, NM_001413058.1 and 2 more transcripts); c.1108A>G, p.Ile370Val (NM_001413048.1); c.1006A>G, p.Ile336Val (NM_001413051.1, NM_001413052.1, NM_001413055.1); c.892A>G, p.Ile298Val (NM_001413056.1); c.694A>G, p.Ile232Val (NM_001413057.1); short protein forms I298V, I317V, I336V, I383V, I196V, I232V, I370V.
Identifiers: ClinVar variation 2463165 (VCV002463165.4), dbSNP rs772172164, ClinGen allele CA6715512.